The following is an entry in ClinVar:

ClinVar aggregate classification (germline): Pathogenic/Likely pathogenic. Review status: criteria provided, multiple submitters, no conflicts (2 of 4 stars). 2 submissions from 2 submitters: Pathogenic (1); Likely pathogenic (1). Last evaluated 2022-03-23.

Conditions:
Early-infantile DEE. Also called: Early infantile epileptic encephalopathy; Ohtahara syndrome; Early infantile epileptic encephalopathy with suppression bursts. Identifiers: Orphanet 1934, MedGen C0393706, MONDO:0800491.

Submissions (2):

Labcorp Genetics (formerly Invitae), Labcorp
Classification: Pathogenic for Early-infantile DEE. Last evaluated: 2022-03-23. Review status: criteria provided, single submitter. Criteria: Invitae Variant Classification Sherloc (09022015). Collection method: clinical testing. Allele origin: germline.
Comment: This variant is not present in population databases (gnomAD no frequency). For these reasons, this variant has been classified as Pathogenic. This variant disrupts the p.Ala1441 amino acid residue in SCN1A. Other variant(s) that disrupt this residue have been determined to be pathogenic (PMID: 31765958). This suggests that this residue is clinically significant, and that variants that disrupt this residue are likely to be disease-causing. Advanced modeling of protein sequence and biophysical properties (such as structural, functional, and spatial information, amino acid conservation, physicochemical variation, residue mobility, and thermodynamic stability) performed at Invitae indicates that this missense variant is expected to disrupt SCN1A protein function. ClinVar contains an entry for this variant (Variation ID: 372966). This missense change has been observed in individual(s) with Dravet syndrome (PMID: 25459968, 31618753). This sequence change replaces alanine, which is neutral and non-polar, with threonine, which is neutral and polar, at codon 1441 of the SCN1A protein (p.Ala1441Thr).

GeneDx
Classification: Likely pathogenic. Last evaluated: 2016-06-22. Review status: criteria provided, single submitter. Criteria: GeneDx Variant Classification (06012015). Collection method: clinical testing. Allele origin: germline. Affected: yes.
Comment: The A1441T variant in the SCN1A gene has been reported previously in a patient with Dravetsyndrome (Lee et al., 2015). The A1441T variant was not observed in approximately 6500individuals of European and African American ancestry in the NHLBI Exome Sequencing Project,indicating it is not a common benign variant in these populations. The A1441T variant is anon-conservative amino acid substitution, which is likely to impact secondary protein structure asthese residues differ in polarity, charge, size and/or other properties. This substitution occurs at aconserved position within the pore forming loop between the S5 and S6 transmembrane segments ofthe third homologous domain. In silico analysis predicts this variant is probably damaging to theprotein structure/function. The A1441T variant is a strong candidate for a pathogenic variant, however the possibility it may be a rarebenign variant cannot be excluded.

Literature cited by the submitters: PubMed 31765958 (cited by Labcorp Genetics (formerly Invitae), Labcorp); PubMed 25459968 (cited by Labcorp Genetics (formerly Invitae), Labcorp); PubMed 31618753 (cited by Labcorp Genetics (formerly Invitae), Labcorp).

NM_001165963.4(SCN1A):c.4321G>A (p.Ala1441Thr)

Genes: SCN1A (sodium voltage-gated channel alpha subunit 1; minus strand), LOC102724058 (uncharacterized LOC102724058; plus strand). Cytogenetic location: 2q24.3.
Variant type: single nucleotide variant.
Coding change: c.4321G>A on transcript NM_001165963.4 (MANE Select); coding-DNA position 4321, G replaced by A.
Protein change: p.Ala1441Thr; replaces alanine 1441 with threonine.
Molecular consequence: missense variant. On other transcripts: non-coding transcript variant (1).
Genome position (GRCh38, 1-based): chr2:165,999,740, C>T on the plus strand (G>A on the coding strand, the complement: SCN1A is on the minus strand). VCF-style: chr2-165999740-C-T. GRCh37 (hg19) VCF-style: chr2-166856250-C-T.
Other names: c.4237G>A, p.Ala1413Thr (NM_001165964.3, NM_001353957.2, NM_001353958.2); c.4321G>A, p.Ala1441Thr (NM_001202435.3, NM_001353948.2); c.4288G>A, p.Ala1430Thr (NM_001353949.2, NM_001353950.2, NM_001353951.2 and 2 more transcripts); c.4285G>A, p.Ala1429Thr (NM_001353954.2, NM_001353955.2); c.4234G>A, p.Ala1412Thr (NM_001353960.2); c.1879G>A, p.Ala627Thr (NM_001353961.2); short protein forms A1430T, A1441T, A1413T, A1412T, A627T, A1429T.
Identifiers: ClinVar variation 372966 (VCV000372966.9), dbSNP rs121917974, ClinGen allele CA16042433.